The following is an entry in ClinVar:

ClinVar aggregate classification (germline): other (0 of 4 stars; one submission).

Conditions:
Familial colorectal cancer. Identifiers: MedGen CN280943, MONDO:0023113. Disease mechanism: loss of function.

Submission:

Systems Biology Platform Zhejiang California International NanoSystems Institute
Classification: other for Familial colorectal cancer. Review status: no assertion criteria provided. Collection method: not provided. Allele origin: unknown.
ClinVar note: Converted during submission from cancer to other.

NM_000038.6(APC):c.-18-53G>C

Gene: APC (APC regulator of WNT signaling pathway; plus strand). Cytogenetic location: 5q22.2.
Variant type: single nucleotide variant.
Coding change: c.-18-53G>C on transcript NM_000038.6 (MANE Select); 53 bases into the intron before 18 bases upstream of the start codon, G replaced by C.
Molecular consequence: intron variant.
Genome position (GRCh38, 1-based): chr5:112,754,820, G>C. VCF-style: chr5-112754820-G-C. GRCh37 (hg19) VCF-style: chr5-112090517-G-C.
Other names: c.-18-53G>C (NM_001354895.2, NM_001127510.3, NM_001354896.2 and 2 more transcripts); c.166-11506G>C (NM_001354897.2, NM_001354902.2, NM_001127511.3); c.61-11506G>C (NM_001354898.2, NM_001354904.2); c.-1053-53G>C (NM_001354906.2); c.-42-11506G>C (NM_001354900.2, NM_001354901.2, NM_001354905.2).
Identifiers: ClinVar variation 82821 (VCV000082821.2), dbSNP rs77090722, ClinGen allele CA006155.